The following is an entry in ClinVar:

ClinVar aggregate classification (germline): Uncertain significance (1 of 4 stars; one submission).

Conditions:
Arrhythmogenic cardiomyopathy with wooly hair and keratoderma. Also called: PALMOPLANTAR KERATODERMA WITH LEFT VENTRICULAR CARDIOMYOPATHY AND WOOLLY HAIR; Dilated cardiomyopathy with woolly hair and keratoderma; Arrhythmogenic cardiomyopathy with woolly hair and keratoderma; Carvajal syndrome. Identifiers: Orphanet 65282, MedGen C1854063, MONDO:0011581, OMIM 605676.
Arrhythmogenic right ventricular dysplasia 8 (ARVD8). Also called: Arrhythmogenic Right Ventricular Dysplasia/Cardiomyopathy 8; ARRHYTHMOGENIC RIGHT VENTRICULAR DYSPLASIA, FAMILIAL, 8; ARRHYTHMOGENIC RIGHT VENTRICULAR CARDIOMYOPATHY 8. Identifiers: MedGen C1843896, MONDO:0011831, OMIM 607450.

gnomAD v4.1: 1 of 1,614,146 alleles (0.000062%); highest among the groups gnomAD compares: Non-Finnish European, 0.000085%; no homozygotes.

Submission:

Labcorp Genetics (formerly Invitae), Labcorp
Classification: Uncertain significance for Arrhythmogenic cardiomyopathy with wooly hair and keratoderma; Arrhythmogenic right ventricular dysplasia 8. Last evaluated: 2021-08-20. Review status: criteria provided, single submitter. Criteria: Invitae Variant Classification Sherloc (09022015). Collection method: clinical testing. Allele origin: germline.
Comment: This sequence change replaces aspartic acid with asparagine at codon 521 of the DSP protein (p.Asp521Asn). The aspartic acid residue is highly conserved and there is a small physicochemical difference between aspartic acid and asparagine. This variant is not present in population databases (ExAC no frequency). This variant has not been reported in the literature in individuals affected with DSP-related conditions. Algorithms developed to predict the effect of missense changes on protein structure and function (SIFT, PolyPhen-2, Align-GVGD) all suggest that this variant is likely to be tolerated. In summary, the available evidence is currently insufficient to determine the role of this variant in disease. Therefore, it has been classified as a Variant of Uncertain Significance.

NM_004415.4(DSP):c.1561G>A (p.Asp521Asn)

Gene: DSP (desmoplakin; plus strand). Cytogenetic location: 6p24.3.
Variant type: single nucleotide variant.
Coding change: c.1561G>A on transcript NM_004415.4 (MANE Select); coding-DNA position 1561, G replaced by A.
Protein change: p.Asp521Asn; replaces aspartic acid 521 with asparagine.
Molecular consequence: missense variant.
Genome position (GRCh38, 1-based): chr6:7,569,327, G>A. VCF-style: chr6-7569327-G-A. GRCh37 (hg19) VCF-style: chr6-7569560-G-A.
Other names: c.1561G>A, p.Asp521Asn (NM_001008844.3, NM_001319034.2); short protein forms D521N.
Identifiers: ClinVar variation 1412540 (VCV001412540.3), dbSNP rs1449447405, ClinGen allele CA362677842.